The following is an entry in ClinVar:

ClinVar aggregate classification (germline): Uncertain significance (1 of 4 stars; one submission).

gnomAD v4.1: 2 of 1,466,512 alleles (0.00014%); highest among the groups gnomAD compares: Middle Eastern, 0.018%; no homozygotes.

Submission:

Labcorp Genetics (formerly Invitae), Labcorp
Classification: Uncertain significance. Last evaluated: 2024-01-24. Review status: criteria provided, single submitter. Criteria: Invitae Variant Classification Sherloc (09022015). Collection method: clinical testing. Allele origin: germline.
Comment: This sequence change falls in intron 6 of the RARS gene. It does not directly change the encoded amino acid sequence of the RARS protein. This variant is not present in population databases (gnomAD no frequency). This variant has not been reported in the literature in individuals affected with RARS-related conditions. ClinVar contains an entry for this variant (Variation ID: 2143037). Algorithms developed to predict the effect of sequence changes on RNA splicing suggest that this variant may disrupt the consensus splice site. In summary, the available evidence is currently insufficient to determine the role of this variant in disease. Therefore, it has been classified as a Variant of Uncertain Significance.

NM_002887.4(RARS1):c.702-10T>A

Gene: RARS1 (arginyl-tRNA synthetase 1; plus strand). Cytogenetic location: 5q34.
Variant type: single nucleotide variant.
Coding change: c.702-10T>A on transcript NM_002887.4 (MANE Select); 10 bases into the intron before coding-DNA position 702, T replaced by A.
Molecular consequence: intron variant.
Genome position (GRCh38, 1-based): chr5:168,497,218, T>A. VCF-style: chr5-168497218-T-A. GRCh37 (hg19) VCF-style: chr5-167924223-T-A.
Identifiers: ClinVar variation 2143037 (VCV002143037.3), dbSNP rs772203982, ClinGen allele CA2578477937.